The following is an entry in ClinVar:

ClinVar aggregate classification (germline): Uncertain significance (1 of 4 stars; one submission).

Conditions:
Hereditary cancer-predisposing syndrome. Also called: Tumor predisposition; Hereditary Cancer Syndrome; Hereditary neoplastic syndrome; Neoplastic Syndromes, Hereditary. Identifiers: Orphanet 140162, MedGen C0027672, MeSH D009386, MONDO:0015356.

Submission:

Ambry Genetics
Classification: Uncertain significance for Hereditary cancer-predisposing syndrome. Last evaluated: 2024-06-18. Review status: criteria provided, single submitter. Criteria: Ambry Variant Classification Scheme 2023. Collection method: clinical testing. Allele origin: germline.
Comment: The p.L254M variant (also known as c.760C>A), located in coding exon 4 of the FLCN gene, results from a C to A substitution at nucleotide position 760. The leucine at codon 254 is replaced by methionine, an amino acid with highly similar properties. This amino acid position is highly conserved in available vertebrate species. In addition, this alteration is predicted to be deleterious by in silico analysis. Based on the available evidence, the clinical significance of this variant remains unclear.

NM_144997.7(FLCN):c.760C>A (p.Leu254Met)

Gene: FLCN (folliculin; minus strand). Cytogenetic location: 17p11.2.
Variant type: single nucleotide variant.
Coding change: c.760C>A on transcript NM_144997.7 (MANE Select); coding-DNA position 760, C replaced by A.
Protein change: p.Leu254Met; replaces leucine 254 with methionine.
Molecular consequence: missense variant.
Genome position (GRCh38, 1-based): chr17:17,222,520, G>T on the plus strand (C>A on the coding strand, the complement: FLCN is on the minus strand). VCF-style: chr17-17222520-G-T. GRCh37 (hg19) VCF-style: chr17-17125834-G-T.
Other names: c.814C>A, p.Leu272Met (NM_001353229.2); c.760C>A, p.Leu254Met (NM_001353230.2, NM_001353231.2, NM_144606.7); short protein forms L254M, L272M.
Identifiers: ClinVar variation 3279043 (VCV003279043.1).